The following is an entry in ClinVar:

NM_006214.4(PHYH):c.733dup (p.Arg245fs)

Gene: PHYH (phytanoyl-CoA 2-hydroxylase; minus strand). Cytogenetic location: 10p13.
Variant type: Duplication.
Coding change: c.733dup on transcript NM_006214.4 (MANE Select); coding-DNA position 733, one base duplicated (C; older notation c.733dupC).
Protein change: p.Arg245fs; shifts the reading frame from arginine 245.
Molecular consequence: frameshift variant.
Genome position (GRCh38, 1-based): chr10:13,283,785, G duplicated on the plus strand (C on the coding strand, the reverse complement: PHYH is on the minus strand); the first of 3 consecutive G bases (chr10:13,283,785-13,283,787); duplicating any one gives the same sequence. VCF-style (leftmost placement, unchanged base first): chr10-13283784-C-CG. GRCh37 (hg19) VCF-style: chr10-13325784-C-CG.
Other names: c.433dup, p.Arg145fs (NM_001037537.2, NM_001323080.2); c.739dup, p.Arg247fs (NM_001323082.2); c.469dup, p.Arg157fs (NM_001323083.2); c.439dup, p.Arg147fs (NM_001323084.2); short protein forms R145fs, R147fs, R157fs, R245fs, R247fs.
Identifiers: ClinVar variation 5015225 (VCV005015225.1).

ClinVar aggregate classification (germline): Pathogenic (1 of 4 stars; one submission).

Conditions:
Refsum disease, classic. Also called: HEREDOPATHIA ATACTICA POLYNEURITIFORMIS; HMSN IV; PHYTANIC ACID OXIDASE DEFICIENCY; PHYH-Related Refsum Disease. Identifiers: Orphanet 773, MedGen C5780941, MONDO:1060256, OMIM 266500. Disease mechanism: loss of function.

Submission:

Myriad Genetics, Inc.
Classification: Pathogenic for Refsum disease, classic. Last evaluated: 2025-11-16. Review status: criteria provided, single submitter. Criteria: Myriad Autosomal Dominant, Autosomal Recessive and X-Linked Classification Criteria (2023). Collection method: clinical testing. Allele origin: unknown.
Comment: NM_006214.3(PHYH):c.733dupC(R245Pfs*26) is expected to be pathogenic in the context of Refsum disease, PHYH-related. This variant is predicted to lead to an abnormal or absent protein product due to the creation of a premature termination codon in PHYH, a gene where loss-of-function variants are known to be pathogenic. Please note: this variant was assessed in the context of healthy population screening.